The following is an entry in ClinVar:

NM_001369.3(DNAH5):c.5503C>T (p.Gln1835Ter)

Gene: DNAH5 (dynein axonemal heavy chain 5; minus strand). Cytogenetic location: 5p15.2.
Variant type: single nucleotide variant.
Coding change: c.5503C>T on transcript NM_001369.3 (MANE Select); coding-DNA position 5503, C replaced by T.
Protein change: p.Gln1835Ter; replaces glutamine 1835 with a stop codon.
Molecular consequence: nonsense.
Genome position (GRCh38, 1-based): chr5:13,841,112, G>A on the plus strand (C>T on the coding strand, the complement: DNAH5 is on the minus strand). VCF-style: chr5-13841112-G-A. GRCh37 (hg19) VCF-style: chr5-13841221-G-A.
Other names: short protein forms Q1835*.
Identifiers: ClinVar variation 372356 (VCV000372356.25), dbSNP rs761622153, ClinGen allele CA3203650.
Genomic context (GRCh38, chr5:13,841,112, plus strand): 5'-TTTTTTTATCAAACTTGGCATTTCTAAGGGCTTCTTCTGAATCCCGTGTCCATATCATCT[G>A]AATTCCTAATAATCCAACCTTATGGAAATAAAAAAGGCTTCATGAATTTGTATGGCATAT-3'

ClinVar aggregate classification (germline): Conflicting classifications of pathogenicity. Review status: criteria provided, conflicting classifications (1 of 4 stars). 13 submissions from 13 submitters: Pathogenic (8); Likely pathogenic (3); Uncertain significance (1). 1 of the submissions does not count toward it. Last evaluated 2026-05-28.

Conditions:
DNAH5-related disorders.
DNAH5-related disorder. Also called: DNAH5-related condition.
Primary ciliary dyskinesia. Also called: Ciliary dyskinesia. Identifiers: Orphanet 244, MedGen C0008780, MONDO:0016575, HP:0012265.
Primary ciliary dyskinesia 3. Identifiers: Orphanet 244, MedGen C1837618, MONDO:0012085, OMIM 608644.

Allele frequency attached by ClinVar (database versions not stated): ExAC 0.00001; gnomAD exomes 0.00001 and 0.00003.
gnomAD v4.1: 43 of 1,613,846 alleles (0.0027%); highest among the groups gnomAD compares: Middle Eastern, 0.53%; no homozygotes.

Submissions (13):

PreventionGenetics, part of Exact Sciences
Classification: Likely pathogenic for DNAH5-related condition. Last evaluated: 2026-05-28. Review status: criteria provided, single submitter. Criteria: ACMG Guidelines, 2015. Collection method: clinical testing. Allele origin: germline.
Comment: The DNAH5 c.5503C>T variant is predicted to result in premature protein termination (p.Gln1835*). This variant has been previously reported in an individual with primary ciliary dyskinesia (Supplementary Table 1, Al-Dewik et al. 2019. PubMed ID: 30919572). This variant is reported in 0.0058% of alleles in individuals of Latino descent in gnomAD. Nonsense variants in DNAH5 are expected to be pathogenic. This variant is interpreted as likely pathogenic.

3billion
Classification: Pathogenic for Primary ciliary dyskinesia 3. Last evaluated: 2026-01-23. Review status: criteria provided, single submitter. Criteria: ACMG Guidelines, 2015. Collection method: clinical testing. Allele origin: germline. Affected: yes.
Comment: The variant is observed at an extremely low frequency in the gnomAD v4.1.0 dataset (total allele frequency: 0.003%). Predicted Consequence/Location: Stop-gained (nonsense): predicted to result in a loss or disruption of normal protein function through nonsense-mediated decay (NMD) or protein truncation. Multiple pathogenic variants are reported downstream of the variant. The variant has been reported at least twice as pathogenic with clinical assertions and evidence for the classification (ClinVar ID: VCV000372356 /PMID: 30919572 /3billion dataset). Therefore, this variant is classified as Pathogenic according to the recommendation of ACMG/AMP guideline.

Natera, Inc.
Classification: Pathogenic for Primary ciliary dyskinesia. Last evaluated: 2025-12-10. Review status: criteria provided, single submitter. Criteria: Natera Variant Classification Schema (03/2026). Collection method: clinical testing. Allele origin: germline.
Comment: The c.5503C>T variant in DNAH5 is a nonsense variant predicted to introduce a stop codon at amino acid 1835. This variant is expected to result in nonsense mediated decay, truncation, or a dysfunctional protein product. This variant is rare in the general population with a frequency below the threshold expected for the associated phenotype(s). This variant has been observed in one or more individuals affected with the associated recessive disease, as either homozygous or compound heterozygous with a second variant (PMID: 34768622, 39045318). Given the available evidence, this variant is classified as Pathogenic.

Labcorp Genetics (formerly Invitae), Labcorp
Classification: Uncertain significance for Primary ciliary dyskinesia. Last evaluated: 2025-11-21. Review status: criteria provided, single submitter. Criteria: Invitae Variant Classification Sherloc (09022015). Collection method: clinical testing. Allele origin: germline.
Comment: This sequence change creates a premature translational stop signal (p.Gln1835*) in the DNAH5 gene. It is expected to result in an absent or disrupted protein product. Loss-of-function variants in DNAH5 are known to be pathogenic (PMID: 11788826, 16627867). This variant is present in population databases (rs761622153, gnomAD 0.006%). This premature translational stop signal has been observed in individual(s) with DNAH5-related conditions as well as unaffected individuals. This variant was found to co-occur with a second DNAH5 variant, copy number gain (Exons 1-50), in individuals in whom copy number was tested. In all individuals where phase was determined, the p.Gln1835* variant and the exon 1-50 copy number gain were on the same chromosome. As a result, it is unknown which copy of the DNAH5 gene this variant is located in, or how this variant impacts gene function. (PMID: 34768622, 39045318; internal data). ClinVar contains an entry for this variant (Variation ID: 372356). In summary, the available evidence is currently insufficient to determine the role of this variant in disease. Therefore, it has been classified as a Variant of Uncertain Significance.

First Genomix Gene Laboratory, Genetic Diagnostics Department
Classification: Pathogenic for Primary ciliary dyskinesia 3. Last evaluated: 2025-01-16. Review status: criteria provided, single submitter. Criteria: ACMG Guidelines, 2015. Collection method: clinical testing. Allele origin: germline. Inheritance: Autosomal recessive inheritance. Affected: no. Observed: 1 variant allele.

Revvity Omics, Revvity
Classification: Pathogenic for Primary ciliary dyskinesia 3. Last evaluated: 2024-10-29. Review status: criteria provided, single submitter. Criteria: ACMG Guidelines, 2015. Collection method: clinical testing. Allele origin: germline.

Blueprint Genetics
Classification: Pathogenic for DNAH5-related disorders. Last evaluated: 2024-10-09. Review status: criteria provided, single submitter. Criteria: ACMG Guidelines, 2015. Collection method: clinical testing. Allele origin: germline. Affected: yes. Observed: 5 variant alleles.

Fulgent Genetics
Classification: Pathogenic for Primary ciliary dyskinesia 3. Last evaluated: 2024-04-05. Review status: criteria provided, single submitter. Criteria: ACMG Guidelines, 2015. Collection method: clinical testing. Allele origin: germline.

Genomic Medicine Center of Excellence, King Faisal Specialist Hospital and Research Centre
Classification: Likely pathogenic for Primary ciliary dyskinesia 3. Last evaluated: 2024-03-26. Review status: criteria provided, single submitter. Criteria: ACMG Guidelines, 2015. Collection method: clinical testing. Allele origin: germline.

Human Genetics Section, Sidra Medicine
Classification: Pathogenic for Primary ciliary dyskinesia 3. Last evaluated: 2024-02-28. Review status: criteria provided, single submitter. Criteria: ACMG Guidelines, 2015. Collection method: research. Allele origin: germline. Affected: yes. Observed: 4 variant alleles.
Comment: Loss of function is a known mechanism of disease in DNAH5 related primary ciliary dyskinesia (MIM#608644). Extremely low frequency in gnomAD population databases (Total allele frequency 0.000007985). ClinVar contains an entry for this variant (Variation ID: 372356). The variant is heterozygous in 4 siblings with primary ciliary dyskinesia. We thus classify the variant as pathogenic

Dubai Health Genomic Medicine Center, Dubai Health
Classification: Pathogenic for Primary ciliary dyskinesia 3. Last evaluated: 2020-02-25. Review status: criteria provided, single submitter. Criteria: ACMG Guidelines, 2015. Collection method: clinical testing. Allele origin: germline. Affected: yes.

GeneDx
Classification: Likely pathogenic. Last evaluated: 2016-04-05. Review status: criteria provided, single submitter. Criteria: GeneDx Variant Classification (06012015). Collection method: clinical testing. Allele origin: germline. Affected: yes.
Comment: The Q1835X variant in the DNAH5 gene has not been reported previously as a pathogenic variant nor as a benign variant, to our knowledge. This variant is predicted to cause loss of normal protein function either through protein truncation or nonsense-mediated mRNA decay. The Q1835X variant was not observed in approximately 6500 individuals of European and African American ancestry in the NHLBI Exome Sequencing Project, indicating it is not a common benign variant in these populations. Therefore, we interpret Q1835X as a likely pathogenic variant.

Biochemical Molecular Genetic Laboratory, King Abdulaziz Medical City
Classification: Uncertain significance for Primary ciliary dyskinesia 3. Last evaluated: 2020-10-11. Review status: no assertion criteria provided. Collection method: clinical testing. Allele origin: germline. Affected: yes. Not counted in ClinVar's aggregate classification.

Literature cited by the submitters: PubMed 30919572 (cited by 3billion); PubMed 34768622 (cited by Natera, Inc. and Labcorp Genetics (formerly Invitae), Labcorp); PubMed 39045318 (cited by Natera, Inc. and Labcorp Genetics (formerly Invitae), Labcorp); PubMed 11788826 (cited by Labcorp Genetics (formerly Invitae), Labcorp); PubMed 16627867 (cited by Labcorp Genetics (formerly Invitae), Labcorp).